The following is an entry in ClinVar:

NM_014319.5(LEMD3):c.835G>A (p.Asp279Asn)

Gene: LEMD3 (LEM domain containing 3; plus strand). Cytogenetic location: 12q14.3.
Variant type: single nucleotide variant.
Coding change: c.835G>A on transcript NM_014319.5 (MANE Select); coding-DNA position 835, G replaced by A.
Protein change: p.Asp279Asn; replaces aspartic acid 279 with asparagine.
Molecular consequence: missense variant.
Genome position (GRCh38, 1-based): chr12:65,170,431, G>A. VCF-style: chr12-65170431-G-A. GRCh37 (hg19) VCF-style: chr12-65564211-G-A.
Other names: c.835G>A, p.Asp279Asn (NM_001167614.2); short protein forms D279N.
Identifiers: ClinVar variation 1392145 (VCV001392145.6), dbSNP rs376432823, ClinGen allele CA385674211.

ClinVar aggregate classification (germline): Uncertain significance (1 of 4 stars; one submission).

Submission:

Labcorp Genetics (formerly Invitae), Labcorp
Classification: Uncertain significance. Last evaluated: 2021-11-08. Review status: criteria provided, single submitter. Criteria: Invitae Variant Classification Sherloc (09022015). Collection method: clinical testing. Allele origin: germline.
Comment: This sequence change replaces aspartic acid, which is acidic and polar, with asparagine, which is neutral and polar, at codon 279 of the LEMD3 protein (p.Asp279Asn). This variant is not present in population databases (gnomAD no frequency). This variant has not been reported in the literature in individuals affected with LEMD3-related conditions. Algorithms developed to predict the effect of missense changes on protein structure and function (SIFT, PolyPhen-2, Align-GVGD) all suggest that this variant is likely to be tolerated. In summary, the available evidence is currently insufficient to determine the role of this variant in disease. Therefore, it has been classified as a Variant of Uncertain Significance.